The following is an entry in ClinVar:

NM_015046.7(SETX):c.7475G>C (p.Ser2492Thr)

Gene: SETX (senataxin; minus strand). Cytogenetic location: 9q34.13.
Variant type: single nucleotide variant.
Coding change: c.7475G>C on transcript NM_015046.7 (MANE Select); coding-DNA position 7475, G replaced by C.
Protein change: p.Ser2492Thr; replaces serine 2492 with threonine.
Molecular consequence: missense variant.
Genome position (GRCh38, 1-based): chr9:132,264,798, C>G on the plus strand (G>C on the coding strand, the complement: SETX is on the minus strand). VCF-style: chr9-132264798-C-G. GRCh37 (hg19) VCF-style: chr9-135140185-C-G.
Other names: c.7475G>C, p.Ser2492Thr (NM_001351527.2); c.7562G>C, p.Ser2521Thr (NM_001351528.2); short protein forms S2521T, S2492T.
Identifiers: ClinVar variation 963938 (VCV000963938.5), dbSNP rs1842557730, ClinGen allele CA375325382.

ClinVar aggregate classification (germline): Uncertain significance. Review status: criteria provided, multiple submitters, no conflicts (2 of 4 stars). 2 submissions from 2 submitters: Uncertain significance (2). Last evaluated 2026-07-16.

Conditions:
SETX-related disorder. Also called: SETX-related disorders; SETX-related condition. Identifiers: MedGen CN239403.
Spinocerebellar ataxia, autosomal recessive, with axonal neuropathy 2 (SCAN2). Also called: Ataxia with Oculomotor Apraxia Type 2; Ataxia with Oculomotor Apraxia; ATAXIA-OCULOMOTOR APRAXIA 2; Ataxia-ocular apraxia-2. Identifiers: Orphanet 64753, MedGen C1853761, MONDO:0018996, OMIM 606002.
Amyotrophic lateral sclerosis type 4 (ALS4). Also called: NEURONOPATHY, DISTAL HEREDITARY MOTOR, WITH PYRAMIDAL FEATURES; AMYOTROPHIC LATERAL SCLEROSIS 4, JUVENILE. Identifiers: Orphanet 357043, MedGen C1865409, MONDO:0011223, OMIM 602433.

Allele frequency attached by ClinVar (database versions not stated): TOPMed below 0.00001; gnomAD 0.00001; gnomAD exomes 0.00001.
gnomAD v4.1: 11 of 1,614,082 alleles (0.00068%); highest among the groups gnomAD compares: Non-Finnish European, 0.00093%; no homozygotes.

Submissions (2):

PreventionGenetics, part of Exact Sciences
Classification: Uncertain significance for SETX-related condition. Last evaluated: 2026-07-16. Review status: criteria provided, single submitter. Criteria: ACMG Guidelines, 2015. Collection method: clinical testing. Allele origin: germline.
Comment: The SETX c.7475G>C variant is predicted to result in the amino acid substitution p.Ser2492Thr. To our knowledge, this variant has not been reported in the literature or in a large population database (gnomAD), indicating this variant is rare. At this time, the clinical significance of this variant is uncertain due to the absence of conclusive functional and genetic evidence.

Labcorp Genetics (formerly Invitae), Labcorp
Classification: Uncertain significance for Amyotrophic lateral sclerosis type 4; Spinocerebellar ataxia, autosomal recessive, with axonal neuropathy 2. Last evaluated: 2025-09-05. Review status: criteria provided, single submitter. Criteria: Invitae Variant Classification Sherloc (09022015). Collection method: clinical testing. Allele origin: germline.
Comment: This sequence change replaces serine, which is neutral and polar, with threonine, which is neutral and polar, at codon 2492 of the SETX protein (p.Ser2492Thr). This variant is not present in population databases (gnomAD no frequency). This variant has not been reported in the literature in individuals affected with SETX-related conditions. ClinVar contains an entry for this variant (Variation ID: 963938). Invitae Evidence Modeling of protein sequence and biophysical properties (such as structural, functional, and spatial information, amino acid conservation, physicochemical variation, residue mobility, and thermodynamic stability) indicates that this missense variant is not expected to disrupt SETX protein function with a negative predictive value of 95%. In summary, the available evidence is currently insufficient to determine the role of this variant in disease. Therefore, it has been classified as a Variant of Uncertain Significance.